The following is an entry in ClinVar:

ClinVar aggregate classification (germline): Uncertain significance. Review status: criteria provided, multiple submitters, no conflicts (2 of 4 stars). 3 submissions from 3 submitters: Uncertain significance (3). Last evaluated 2024-05-30.

Conditions:
Arterial calcification, generalized, of infancy, 2. Identifiers: Orphanet 51608, MedGen C3276161, MONDO:0013768, OMIM 614473.
Autosomal recessive inherited pseudoxanthoma elasticum (PXE). Identifiers: Orphanet 758, MedGen CN032334, MONDO:0009925, OMIM 264800.
Pseudoxanthoma elasticum, forme fruste. Also called: PSEUDOXANTHOMA ELASTICUM, HETEROZYGOUS; Pseudoxanthoma Elasticum, Incomplete. Identifiers: Orphanet 758, MedGen C1867450, MONDO:0008333, OMIM 177850.
Inborn genetic diseases. Identifiers: MedGen C0950123, MeSH D030342.

Allele frequency attached by ClinVar (database versions not stated): gnomAD 0.00003; TOPMed 0.00002.

Submissions (3):

Ambry Genetics
Classification: Uncertain significance for Inborn genetic diseases. Last evaluated: 2024-05-30. Review status: criteria provided, single submitter. Criteria: Ambry Variant Classification Scheme 2023. Collection method: clinical testing. Allele origin: germline.

Fulgent Genetics
Classification: Uncertain significance for Pseudoxanthoma elasticum, forme fruste; Autosomal recessive inherited pseudoxanthoma elasticum; Arterial calcification, generalized, of infancy, 2. Last evaluated: 2021-09-22. Review status: criteria provided, single submitter. Criteria: ACMG Guidelines, 2015. Collection method: clinical testing. Allele origin: unknown.

Baylor Genetics
Classification: Uncertain significance for Arterial calcification, generalized, of infancy, 2. Last evaluated: 2018-09-06. Review status: criteria provided, single submitter. Criteria: ACMG Guidelines, 2015. Collection method: clinical testing. Allele origin: paternal. Affected: yes.
Comment: This variant was determined to be of uncertain significance according to ACMG Guidelines, 2015 [PMID:25741868].

NM_001171.6(ABCC6):c.469G>A (p.Gly157Arg)

Gene: ABCC6 (ATP binding cassette subfamily C member 6; minus strand). Cytogenetic location: 16p13.11.
Variant type: single nucleotide variant.
Coding change: c.469G>A on transcript NM_001171.6 (MANE Select); coding-DNA position 469, G replaced by A.
Protein change: p.Gly157Arg; replaces glycine 157 with arginine.
Molecular consequence: missense variant. On other transcripts: non-coding transcript variant (1).
Genome position (GRCh38, 1-based): chr16:16,219,559, C>T on the plus strand (G>A on the coding strand, the complement: ABCC6 is on the minus strand). VCF-style: chr16-16219559-C-T. GRCh37 (hg19) VCF-style: chr16-16313416-C-T.
Other names: c.127G>A, p.Gly43Arg (NM_001351800.1); short protein forms G157R, G43R.
Identifiers: ClinVar variation 1033356 (VCV001033356.3), dbSNP rs1209940471, ClinGen allele CA394893141.
Genomic context (GRCh38, chr16:16,219,559, plus strand): 5'-CCCAAGGCATGAGCCACCATTTTGGTTTCCCAGGGTGGCCCACGCCCCGACTTACCGCTC[C>T]GGAGGCCTGCTGGGCAGCGTTGGTAGCTGGCAAGACAAAGCAGAGAAGCCAGTAACCAAA-3'
Protein context (NP_001162.5, residues 147-167): PATNAAQQAS[Gly157Arg]AGFQSDPVRH